The following is an entry in ClinVar:

NM_017775.4(TTC19):c.72C>A (p.Cys24Ter)

Genes: TTC19 (tetratricopeptide repeat domain 19; plus strand), LOC130060311 (ATAC-STARR-seq lymphoblastoid silent region 8214; plus strand). Cytogenetic location: 17p12.
Variant type: single nucleotide variant.
Coding change: c.72C>A on transcript NM_017775.4 (MANE Select); coding-DNA position 72, C replaced by A.
Protein change: p.Cys24Ter; replaces cysteine 24 with a stop codon.
Molecular consequence: nonsense. On other transcripts: 5 prime UTR variant (1).
Genome position (GRCh38, 1-based): chr17:15,999,920, C>A. VCF-style: chr17-15999920-C-A. GRCh37 (hg19) VCF-style: chr17-15903234-C-A.
Other names: c.-387C>A (NM_001271420.2); short protein forms C24*.
Identifiers: ClinVar variation 3896255 (VCV003896255.2).

ClinVar aggregate classification (germline): Pathogenic (1 of 4 stars; one submission).

Conditions:
Mitochondrial complex III deficiency nuclear type 2. Identifiers: MedGen C3554605, MONDO:0014063, OMIM 615157.

gnomAD v4.1: 1 of 1,350,876 alleles (0.000074%); no homozygotes.

Submission:

Women's Health and Genetics/Laboratory Corporation of America, LabCorp
Classification: Pathogenic for Mitochondrial complex III deficiency nuclear type 2. Last evaluated: 2025-04-15. Review status: criteria provided, single submitter. Criteria: LabCorp Variant Classification Summary - May 2015. Collection method: clinical testing. Allele origin: germline.
Comment: Variant summary: TTC19 c.72C>A (p.Cys24X) results in a premature termination codon, predicted to cause a truncation of the encoded protein or absence of the protein due to nonsense mediated decay, which are commonly known mechanisms for disease. The variant was absent in 34842 control chromosomes (gnomAD). To our knowledge, no occurrence of c.72C>A in individuals affected with Mitochondrial Complex III Deficiency Nuclear Type 2 and no experimental evidence demonstrating its impact on protein function have been reported. No submitters have cited clinical-significance assessments for this variant to ClinVar. Based on the evidence outlined above, the variant was classified as pathogenic.